The following is an entry in ClinVar:

NM_002692.4(POLE2):c.1501T>C (p.Ser501Pro)

Gene: POLE2 (DNA polymerase epsilon 2, accessory subunit; minus strand). Cytogenetic location: 14q21.3.
Variant type: single nucleotide variant.
Coding change: c.1501T>C on transcript NM_002692.4 (MANE Select); coding-DNA position 1501, T replaced by C.
Protein change: p.Ser501Pro; replaces serine 501 with proline.
Molecular consequence: missense variant.
Genome position (GRCh38, 1-based): chr14:49,647,357, A>G on the plus strand (T>C on the coding strand, the complement: POLE2 is on the minus strand). VCF-style: chr14-49647357-A-G. GRCh37 (hg19) VCF-style: chr14-50114075-A-G.
Other names: c.1423T>C, p.Ser475Pro (NM_001197330.2); c.1498T>C, p.Ser500Pro (NM_001348384.2); c.1270T>C, p.Ser424Pro (NM_001348385.2); short protein forms S424P, S501P, S475P, S500P.
Identifiers: ClinVar variation 4726980 (VCV004726980.1).

ClinVar aggregate classification (germline): Uncertain significance (1 of 4 stars; one submission).

Submission:

Labcorp Genetics (formerly Invitae), Labcorp
Classification: Uncertain significance. Last evaluated: 2025-09-10. Review status: criteria provided, single submitter. Criteria: Invitae Variant Classification Sherloc (09022015). Collection method: clinical testing. Allele origin: germline.
Comment: This sequence change replaces serine, which is neutral and polar, with proline, which is neutral and non-polar, at codon 501 of the POLE2 protein (p.Ser501Pro). This variant is not present in population databases (gnomAD no frequency). This variant has not been reported in the literature in individuals affected with POLE2-related conditions. An algorithm developed to predict the effect of missense changes on protein structure and function (PolyPhen-2) suggests that this variant is likely to be tolerated. In summary, the available evidence is currently insufficient to determine the role of this variant in disease. Therefore, it has been classified as a Variant of Uncertain Significance.